The following is an entry in ClinVar:

ClinVar aggregate classification (germline): Likely benign (0 of 4 stars; one submission).

Conditions:
PKHD1-related disorder. Also called: PKHD1-related condition.

Submission:

PreventionGenetics, part of Exact Sciences
Classification: Likely benign for PKHD1-related condition. Last evaluated: 2022-08-25. Review status: no assertion criteria provided. Collection method: clinical testing. Allele origin: germline.
Comment: This variant is classified as likely benign based on ACMG/AMP sequence variant interpretation guidelines (Richards et al. 2015 PMID: 25741868, with internal and published modifications).

NM_138694.4(PKHD1):c.813T>C (p.Leu271=)

Gene: PKHD1 (PKHD1 ciliary IPT domain containing fibrocystin/polyductin; minus strand). Cytogenetic location: 6p12.2.
Variant type: single nucleotide variant.
Coding change: c.813T>C on transcript NM_138694.4 (MANE Select); coding-DNA position 813, T replaced by C.
Protein change: p.Leu271=; no amino-acid change (leucine 271 retained).
Molecular consequence: synonymous variant.
Genome position (GRCh38, 1-based): chr6:52,066,043, A>G on the plus strand (T>C on the coding strand, the complement: PKHD1 is on the minus strand). VCF-style: chr6-52066043-A-G. GRCh37 (hg19) VCF-style: chr6-51930841-A-G.
Other names: c.813T>C, p.Leu271= (NM_170724.3).
Identifiers: ClinVar variation 3043787 (VCV003043787.2), dbSNP rs2533508017, ClinGen allele CA450421339.